The following is an entry in ClinVar:

NM_021098.3(CACNA1H):c.3925G>A (p.Val1309Ile)

Gene: CACNA1H (calcium voltage-gated channel subunit alpha1 H; plus strand). Cytogenetic location: 16p13.3.
Variant type: single nucleotide variant.
Coding change: c.3925G>A on transcript NM_021098.3 (MANE Select); coding-DNA position 3925, G replaced by A.
Protein change: p.Val1309Ile; replaces valine 1309 with isoleucine.
Molecular consequence: missense variant.
Genome position (GRCh38, 1-based): chr16:1,210,449, G>A. VCF-style: chr16-1210449-G-A. GRCh37 (hg19) VCF-style: chr16-1260449-G-A.
Other names: c.3925G>A, p.Val1309Ile (NM_001005407.2); short protein forms V1309I.
Identifiers: ClinVar variation 570660 (VCV000570660.16), dbSNP rs201352768, ClinGen allele CA7801020.
Genomic context (GRCh38, chr16:1,210,449, plus strand): 5'-AAGGTCATCACACACAAGATGTTTGATCACGTGGTCCTCGTCTTCATCTTCCTCAACTGC[G>A]TCACCATCGCCCTGGAGAGGCCTGACATTGATCCCGGCAGCACCGTGAGTCAGCCAACCC-3'
Protein context (NP_066921.2, residues 1299-1319): VVLVFIFLNC[Val1309Ile]TIALERPDID

ClinVar aggregate classification (germline): Likely benign. Review status: criteria provided, multiple submitters, no conflicts (2 of 4 stars). 6 submissions from 6 submitters: Likely benign (3). 3 of the submissions do not count toward it. Last evaluated 2025-11-09.

Conditions:
CACNA1H-related disorder.
Idiopathic generalized epilepsy. Also called: Generalised epilepsy; EIG. Identifiers: MedGen C0270850, MONDO:0005579, OMIM 600669.
Hyperaldosteronism, familial, type IV (HALD4). Also called: FH IV; ALDOSTERONISM, PRIMARY, AND HYPERTENSION. Identifiers: Orphanet 642671, MedGen C4310756, MONDO:0014875, OMIM 617027.
Epilepsy, childhood absence, susceptibility to, 6. Identifiers: Orphanet 64280, MedGen C2749872, MONDO:0012763, OMIM 611942.

Allele frequency attached by ClinVar (database versions not stated): ESP Exome Variant Server 0.00008; TOPMed 0.00027; gnomAD 0.00033 and 0.00034; ExAC 0.00046; gnomAD exomes 0.00046 and 0.00058.
gnomAD v4.1: 885 of 1,611,380 alleles (0.055%); highest among the groups gnomAD compares: Non-Finnish European, 0.068%; no homozygotes.

Submissions (6):

Labcorp Genetics (formerly Invitae), Labcorp
Classification: Likely benign for Idiopathic generalized epilepsy; Hyperaldosteronism, familial, type IV. Last evaluated: 2025-11-09. Review status: criteria provided, single submitter. Criteria: Invitae Variant Classification Sherloc (09022015). Collection method: clinical testing. Allele origin: germline.

Blueprint Genetics
Classification: Likely benign. Last evaluated: 2024-10-25. Review status: criteria provided, single submitter. Criteria: ACMG Guidelines, 2015. Collection method: clinical testing. Allele origin: germline.

Fulgent Genetics
Classification: Likely benign for Epilepsy, childhood absence, susceptibility to, 6; Hyperaldosteronism, familial, type IV. Last evaluated: 2021-12-10. Review status: criteria provided, single submitter. Criteria: ACMG Guidelines, 2015. Collection method: clinical testing. Allele origin: unknown.

PreventionGenetics, part of Exact Sciences
Classification: Likely benign for CACNA1H-related condition. Last evaluated: 2024-05-12. Review status: no assertion criteria provided. Collection method: clinical testing. Allele origin: germline. Not counted in ClinVar's aggregate classification.
Comment: This variant is classified as likely benign based on ACMG/AMP sequence variant interpretation guidelines (Richards et al. 2015 PMID: 25741868, with internal and published modifications).

Genome Diagnostics Laboratory, University Medical Center Utrecht
Classification: Likely benign. Review status: no assertion criteria provided. Collection method: clinical testing. Allele origin: germline. Affected: yes. Study: VKGL Data-share Consensus. Not counted in ClinVar's aggregate classification.

Laboratory of Diagnostic Genome Analysis, Leiden University Medical Center (LUMC)
Classification: Likely benign. Review status: no assertion criteria provided. Collection method: clinical testing. Allele origin: germline. Affected: yes. Study: VKGL Data-share Consensus. Not counted in ClinVar's aggregate classification.